The following is an entry in ClinVar:

ClinVar aggregate classification (germline): Conflicting classifications of pathogenicity. Review status: criteria provided, conflicting classifications (1 of 4 stars). 6 submissions from 6 submitters: Uncertain significance (1); Benign (1); Likely benign (3). 1 of the submissions does not count toward it. Last evaluated 2026-01-25.

Conditions:
Hereditary cancer-predisposing syndrome. Also called: Tumor predisposition; Hereditary neoplastic syndrome; Neoplastic Syndromes, Hereditary; Hereditary Cancer Syndrome. Identifiers: Orphanet 140162, MedGen C0027672, MeSH D009386, MONDO:0015356.
Familial adenomatous polyposis 2. Also called: Adenomas, multiple colorectal; MUTYH-associated polyposis; MUTYH-related attenuated familial adenomatous polyposis; MUTYH Polyposis; COLORECTAL ADENOMATOUS POLYPOSIS, AUTOSOMAL RECESSIVE; ADENOMAS, MULTIPLE COLORECTAL, AUTOSOMAL RECESSIVE. Identifiers: Orphanet 220460, Orphanet 247798, MedGen C3272841, MONDO:0012041, OMIM 608456.

Allele frequency attached by ClinVar (database versions not stated): ExAC 0.00007; gnomAD exomes 0.00006; TOPMed 0.00026; gnomAD 0.00030; ESP Exome Variant Server 0.00031.
gnomAD v4.1: 73 of 1,600,088 alleles (0.0046%); highest among the groups gnomAD compares: African/African-American, 0.08%; 1 homozygote.

Submissions (6):

Labcorp Genetics (formerly Invitae), Labcorp
Classification: Likely benign for Familial adenomatous polyposis 2. Last evaluated: 2026-01-25. Review status: criteria provided, single submitter. Criteria: Invitae Variant Classification Sherloc (09022015). Collection method: clinical testing. Allele origin: germline.

All of Us Research Program, National Institutes of Health
Classification: Likely benign for Familial adenomatous polyposis 2. Last evaluated: 2024-08-30. Review status: criteria provided, single submitter. Criteria: ACMG Guidelines, 2015. Collection method: clinical testing. Allele origin: germline. Inheritance: Autosomal recessive inheritance. Observed: 13 variant alleles, 13 heterozygotes.
Comment: This study involves interpretation of variants in research participants for the purpose of population health screening. Participant phenotype was not available at the time of variant classification. Additional details can be found in publication PMID: 35346344, PMCID: PMC8962531

Sema4
Classification: Uncertain significance for Hereditary cancer-predisposing syndrome. Last evaluated: 2021-09-03. Review status: criteria provided, single submitter. Criteria: Sema4 Curation Guidelines. Collection method: curation. Allele origin: germline.
Comment: The MUTYH c.158-12C>T variant has not been reported in the literature to our knowledge. It was observed in 24/23724 chromosomes of the African/African American subpopulation, with no homozygotes, in the large and broad cohorts of the Genome Aggregation Database (PMID: 32461654). The variant has been reported in ClinVar (Variation ID: 138308). In silico tools suggest the variant may not disrupt normal splicing, however these predictions have not been confirmed by transcriptional studies. The evidence is insufficient to meet ACMG/AMP criteria for classifying the variant as benign or pathogenic. Thus, the clinical significance of this variant is currently uncertain.

Color Diagnostics, LLC DBA Color Health
Classification: Likely benign for Hereditary cancer-predisposing syndrome. Last evaluated: 2016-11-22. Review status: criteria provided, single submitter. Criteria: ACMG Guidelines, 2015. Collection method: clinical testing. Allele origin: germline.

GeneDx
Classification: Benign. Last evaluated: 2014-03-04. Review status: criteria provided, single submitter. Criteria: GeneDx Variant Classification (06012015). Collection method: clinical testing. Allele origin: germline. Affected: yes.
Comment: This variant is considered likely benign or benign based on one or more of the following criteria: it is a conservative change, it occurs at a poorly conserved position in the protein, it is predicted to be benign by multiple in silico algorithms, and/or has population frequency not consistent with disease.

Counsyl
Classification: Uncertain significance for Familial adenomatous polyposis 2. Last evaluated: 2016-02-17. Review status: no assertion criteria provided. Collection method: clinical testing. Allele origin: unknown. Not counted in ClinVar's aggregate classification.

NM_001048174.2(MUTYH):c.116-54C>T

Gene: MUTYH (mutY DNA glycosylase; minus strand). Cytogenetic location: 1p34.1.
Variant type: single nucleotide variant.
Coding change: c.116-54C>T on transcript NM_001048174.2 (MANE Select); 54 bases into the intron before coding-DNA position 116, C replaced by T.
Molecular consequence: intron variant.
Genome position (GRCh38, 1-based): chr1:45,333,615, G>A on the plus strand (C>T on the coding strand, the complement: MUTYH is on the minus strand). VCF-style: chr1-45333615-G-A. GRCh37 (hg19) VCF-style: chr1-45799287-G-A.
Other names: c.-92-118C>T (NM_001350651.2); c.-97-118C>T (NM_001293192.2, NM_001293196.2); c.-156-54C>T (NM_001350650.2); c.116-54C>T (NM_001048171.2, NM_001048173.2, NM_001293195.2); c.158-51C>T (NM_001293190.2); c.158-21C>T (NM_012222.3); c.158-12C>T (NM_001128425.2); c.116-51C>T (NM_001048172.2); and 1 more.
Identifiers: ClinVar variation 138308 (VCV000138308.16), dbSNP rs367908623, ClinGen allele CA013081.
Genomic context (GRCh38, chr1:45,333,615, plus strand): 5'-GCCAGGCCTGCTGGGGCCCCAGGACACTCAGCAATCATCCCTGCACAGGCTGTGCATCAG[G>A]GTCTTGGGACACAGCAGCCTGTGGCAGTATGCTCCCACTTAGGGCTTCCCCCAACTAACC-3'